The following is an entry in ClinVar:

NM_001365088.1(SLC12A6):c.710C>T (p.Ser237Phe)

Gene: SLC12A6 (solute carrier family 12 member 6; minus strand). Cytogenetic location: 15q14.
Variant type: single nucleotide variant.
Coding change: c.710C>T on transcript NM_001365088.1 (MANE Select); coding-DNA position 710, C replaced by T.
Protein change: p.Ser237Phe; replaces serine 237 with phenylalanine.
Molecular consequence: missense variant.
Genome position (GRCh38, 1-based): chr15:34,256,264, G>A on the plus strand (C>T on the coding strand, the complement: SLC12A6 is on the minus strand). VCF-style: chr15-34256264-G-A. GRCh37 (hg19) VCF-style: chr15-34548465-G-A.
Other names: c.665C>T, p.Ser222Phe (NM_001042497.2); c.557C>T, p.Ser186Phe (NM_005135.2); c.710C>T, p.Ser237Phe (NM_133647.2); c.533C>T, p.Ser178Phe (NM_001042494.2, NM_001042495.2); c.683C>T, p.Ser228Phe (NM_001042496.2); short protein forms S186F, S228F, S237F, S222F, S178F.
Identifiers: ClinVar variation 4762786 (VCV004762786.1).

ClinVar aggregate classification (germline): Uncertain significance (1 of 4 stars; one submission).

Submission:

Labcorp Genetics (formerly Invitae), Labcorp
Classification: Uncertain significance. Last evaluated: 2025-04-09. Review status: criteria provided, single submitter. Criteria: Invitae Variant Classification Sherloc (09022015). Collection method: clinical testing. Allele origin: germline.
Comment: This sequence change replaces serine, which is neutral and polar, with phenylalanine, which is neutral and non-polar, at codon 237 of the SLC12A6 protein (p.Ser237Phe). This variant is not present in population databases (gnomAD no frequency). This variant has not been reported in the literature in individuals affected with SLC12A6-related conditions. Invitae Evidence Modeling of protein sequence and biophysical properties (such as structural, functional, and spatial information, amino acid conservation, physicochemical variation, residue mobility, and thermodynamic stability) indicates that this missense variant is expected to disrupt SLC12A6 protein function with a positive predictive value of 80%. In summary, the available evidence is currently insufficient to determine the role of this variant in disease. Therefore, it has been classified as a Variant of Uncertain Significance.